The following is an entry in ClinVar:

ClinVar aggregate classification (germline): Uncertain significance (1 of 4 stars; one submission).

gnomAD v4.1: 13 of 1,613,478 alleles (0.00081%); highest among the groups gnomAD compares: South Asian, 0.0011%; no homozygotes.

Submission:

Labcorp Genetics (formerly Invitae), Labcorp
Classification: Uncertain significance. Last evaluated: 2024-05-21. Review status: criteria provided, single submitter. Criteria: Invitae Variant Classification Sherloc (09022015). Collection method: clinical testing. Allele origin: germline.
Comment: This sequence change replaces arginine, which is basic and polar, with glutamine, which is neutral and polar, at codon 3473 of the TRRAP protein (p.Arg3473Gln). This variant is present in population databases (rs758671894, gnomAD 0.003%). This variant has not been reported in the literature in individuals affected with TRRAP-related conditions. Advanced modeling of protein sequence and biophysical properties (such as structural, functional, and spatial information, amino acid conservation, physicochemical variation, residue mobility, and thermodynamic stability) performed at Invitae indicates that this missense variant is not expected to disrupt TRRAP protein function with a negative predictive value of 80%. In summary, the available evidence is currently insufficient to determine the role of this variant in disease. Therefore, it has been classified as a Variant of Uncertain Significance.

NM_001375524.1(TRRAP):c.10547G>A (p.Arg3516Gln)

Gene: TRRAP (transformation/transcription domain associated protein; plus strand). Cytogenetic location: 7q22.1.
Variant type: single nucleotide variant.
Coding change: c.10547G>A on transcript NM_001375524.1 (MANE Select); coding-DNA position 10547, G replaced by A.
Protein change: p.Arg3516Gln; replaces arginine 3516 with glutamine.
Molecular consequence: missense variant.
Genome position (GRCh38, 1-based): chr7:99,005,142, G>A. VCF-style: chr7-99005142-G-A. GRCh37 (hg19) VCF-style: chr7-98602765-G-A.
Other names: c.10505G>A, p.Arg3502Gln (NM_001244580.2); c.10418G>A, p.Arg3473Gln (NM_003496.4); short protein forms R3473Q, R3502Q, R3516Q.
Identifiers: ClinVar variation 3609206 (VCV003609206.2).
Genomic context (GRCh38, chr7:99,005,142, plus strand): 5'-CTGGTAGCAGAGATGCAGGGCATGTCCTCATGGCTTCTCGCTCTGGCAGGTTCATGCCCC[G>A]GGTAGAGATTGTGCAGAAGCACAACACCGCAGCCCGGCGGCTGTACATCCGGGGACACAA-3'
Protein context (NP_001362453.1, residues 3506-3526): YYIKIARFMP[Arg3516Gln]VEIVQKHNTA